The following is an entry in ClinVar:

ClinVar aggregate classification (germline): Likely benign. Review status: reviewed by expert panel (3 of 4 stars). 4 submissions from 4 submitters: Likely benign (1). 3 of the submissions do not count toward it. Last evaluated 2024-09-18.

Conditions:
Hereditary thrombocytopenia and hematologic cancer predisposition syndrome. Identifiers: Orphanet 71290, MedGen CN281654, MONDO:0011071.
Inborn genetic diseases. Identifiers: MedGen C0950123, MeSH D030342.

Allele frequency attached by ClinVar (database versions not stated): ESP Exome Variant Server 0.00009; gnomAD exomes 0.00016 and 0.00020; TOPMed 0.00016; gnomAD 0.00021 and 0.00022; ExAC 0.00022.
gnomAD v4.1: 323 of 1,598,074 alleles (0.02%); highest among the groups gnomAD compares: Non-Finnish European, 0.024%; 1 homozygote.

Submissions (4):

ClinGen Myeloid Malignancy Variant Curation Expert Panel
Classification: Likely benign for Hereditary thrombocytopenia and hematologic cancer predisposition syndrome. Last evaluated: 2024-09-18. Review status: reviewed by expert panel. Criteria: ClinGen MyeloMalig ACMG Specifications v2. Collection method: curation. Allele origin: germline. Inheritance: Autosomal dominant inheritance.
Comment: NM_001754.5(RUNX1):c.98-21T>C is an intronic variant. This variant has a MAF of 0.0002794 (0.028%, 19/67998, 19 alleles) in the European (non-Finnish) subpopulation of the gnomAD v3.1.2 cohort, which is between 0.00015 (0.015%) and 0.0015 (0.15%) (BS1). This variant may impact splicing (Splice AI: Acceptor Loss Score = 0.35). In summary, this variant meets criteria to be classified as likely benign. ACMG/AMP criteria applied, as specified by the Myeloid Malignancy Variant Curation Expert Panel for RUNX1: BS1.

Ambry Genetics
Classification: Likely benign for Inborn genetic diseases. Last evaluated: 2025-05-09. Review status: criteria provided, single submitter. Criteria: Ambry Variant Classification Scheme 2023. Collection method: clinical testing. Allele origin: germline. Not counted in ClinVar's aggregate classification.

Blueprint Genetics
Classification: Likely benign. Last evaluated: 2024-11-23. Review status: criteria provided, single submitter. Criteria: ACMG Guidelines, 2015. Collection method: clinical testing. Allele origin: germline. Not counted in ClinVar's aggregate classification.

Institute for Clinical Genetics, University Hospital TU Dresden, University Hospital TU Dresden
Classification: Uncertain significance. Last evaluated: 2021-11-03. Review status: criteria provided, single submitter. Criteria: ACMG Guidelines, 2015. Collection method: clinical testing. Allele origin: germline. Not counted in ClinVar's aggregate classification.

NM_001754.5(RUNX1):c.98-21T>C

Gene: RUNX1 (RUNX family transcription factor 1; minus strand). Cytogenetic location: 21q22.12.
Variant type: single nucleotide variant.
Coding change: c.98-21T>C on transcript NM_001754.5 (MANE Select); 21 bases into the intron before coding-DNA position 98, T replaced by C.
Molecular consequence: intron variant. On other transcripts: 5 prime UTR variant (2).
Genome position (GRCh38, 1-based): chr21:34,887,117, A>G on the plus strand (T>C on the coding strand, the complement: RUNX1 is on the minus strand). VCF-style: chr21-34887117-A-G. GRCh37 (hg19) VCF-style: chr21-36259414-A-G.
Other names: c.-5T>C (NM_001001890.3, NM_001122607.2); c.98-21T>C (NM_001754.4).
Identifiers: ClinVar variation 1319385 (VCV001319385.6), dbSNP rs371813424, ClinGen allele CA10014594.